The following is an entry in ClinVar:

NC_012920.1(MT-TT):m.15947A>G

Gene: MT-TT (mitochondrially encoded tRNA threonine; plus strand).
Variant type: single nucleotide variant.
Genome position: chrM-15947-A-G.
Identifiers: ClinVar variation 690257 (VCV000690257.1), dbSNP rs1556424708, ClinGen allele CA913175270.

ClinVar aggregate classification (germline): Benign (1 of 4 stars; one submission).

Conditions:
MELAS syndrome (MELAS). Also called: Juvenile myopathy, encephalopathy, lactic acidosis, stroke. Identifiers: Orphanet 550, MedGen C0162671, MONDO:0010789, OMIM 540000.

Submission:

Wong Mito Lab, Molecular and Human Genetics, Baylor College of Medicine
Classification: Benign for MELAS syndrome. Last evaluated: 2019-07-12. Review status: criteria provided, single submitter. Criteria: Modified ACMG Guidelines (Unpublished). Collection method: clinical testing. Allele origin: germline.
Comment: The NC_012920.1:m.15947A>G variant in MT-TT gene is interpreted to be a Benign variant based on the modified ACMG guidelines (unpublished). This variant meets the following evidence codes reported in the guidelines: BS1, BS4, BP4

Literature cited by the submitters: PubMed 31965079.